The following is an entry in ClinVar:

ClinVar aggregate classification (germline): Uncertain significance (1 of 4 stars; one submission).

Submission:

Labcorp Genetics (formerly Invitae), Labcorp
Classification: Uncertain significance. Last evaluated: 2024-01-06. Review status: criteria provided, single submitter. Criteria: Invitae Variant Classification Sherloc (09022015). Collection method: clinical testing. Allele origin: unknown.
Comment: This variant results in a copy number gain of the genomic region encompassing exon(s) 2-5 of the ZC4H2 gene. This region includes the termination codon of the gene. This copy number gain extends beyond the assayed region for this gene and therefore may encompass additional genes. As the precise location of this event is unknown, it may be in tandem or it may be located elsewhere in the genome. This variant has not been reported in the literature in individuals affected with ZC4H2-related conditions. In summary, the available evidence is currently insufficient to determine the role of this variant in disease. Therefore, it has been classified as a Variant of Uncertain Significance.

NC_000023.10:g.(?_64137663)_(64141888_?)dup

Gene: ZC4H2 (zinc finger C4H2-type containing; minus strand). Cytogenetic location: Xq11.2.
Variant type: Duplication.
Identifiers: ClinVar variation 3246818 (VCV003246818.1).